The following is an entry in ClinVar:

ClinVar aggregate classification (germline): Likely benign. Review status: criteria provided, multiple submitters, no conflicts (2 of 4 stars). 5 submissions from 5 submitters: Likely benign (4). 1 of the submissions does not count toward it. Last evaluated 2026-03-01.

Conditions:
CHD8-related disorder. Also called: CHD8-related disorders; CHD8-related condition.

Allele frequency attached by ClinVar (database versions not stated): ESP Exome Variant Server 0.00008; gnomAD 0.00009; gnomAD exomes 0.00010 and 0.00015; ExAC 0.00012; TOPMed 0.00016.
gnomAD v4.1: 224 of 1,598,560 alleles (0.014%); highest among the groups gnomAD compares: Non-Finnish European, 0.018%; no homozygotes.

Submissions (5):

CeGaT Center for Human Genetics Tuebingen
Classification: Likely benign. Last evaluated: 2026-03-01. Review status: criteria provided, single submitter. Criteria: CeGaT Center For Human Genetics Tuebingen Variant Classification Criteria Version 2. Collection method: clinical testing. Allele origin: germline. Affected: yes. Observed: 1 variant allele.
Comment: CHD8: BP4, BP7

Labcorp Genetics (formerly Invitae), Labcorp
Classification: Likely benign. Last evaluated: 2024-09-16. Review status: criteria provided, single submitter. Criteria: Invitae Variant Classification Sherloc (09022015). Collection method: clinical testing. Allele origin: germline.

Blueprint Genetics
Classification: Likely benign. Last evaluated: 2024-08-06. Review status: criteria provided, single submitter. Criteria: ACMG Guidelines, 2015. Collection method: clinical testing. Allele origin: germline.

GeneDx
Classification: Likely benign. Last evaluated: 2021-06-07. Review status: criteria provided, single submitter. Criteria: GeneDx Variant Classification Process June 2021. Collection method: clinical testing. Allele origin: germline. Affected: yes.

PreventionGenetics, part of Exact Sciences
Classification: Likely benign for CHD8-related condition. Last evaluated: 2024-04-25. Review status: no assertion criteria provided. Collection method: clinical testing. Allele origin: germline. Not counted in ClinVar's aggregate classification.
Comment: This variant is classified as likely benign based on ACMG/AMP sequence variant interpretation guidelines (Richards et al. 2015 PMID: 25741868, with internal and published modifications).

NM_001170629.2(CHD8):c.4410C>T (p.Phe1470=)

Gene: CHD8 (chromodomain helicase DNA binding protein 8; minus strand). Cytogenetic location: 14q11.2.
Variant type: single nucleotide variant.
Coding change: c.4410C>T on transcript NM_001170629.2 (MANE Select); coding-DNA position 4410, C replaced by T.
Protein change: p.Phe1470=; no amino-acid change (phenylalanine 1470 retained).
Molecular consequence: synonymous variant.
Genome position (GRCh38, 1-based): chr14:21,400,573, G>A on the plus strand (C>T on the coding strand, the complement: CHD8 is on the minus strand). VCF-style: chr14-21400573-G-A. GRCh37 (hg19) VCF-style: chr14-21868732-G-A.
Other names: c.3573C>T, p.Phe1191= (NM_020920.4).
Identifiers: ClinVar variation 1203995 (VCV001203995.14), dbSNP rs373148846, ClinGen allele CA7091219.
Genomic context (GRCh38, chr14:21,400,573, plus strand): 5'-ACAGTACACGAGAATGGCCCGACAAATGGTCTCCACATCTCGTTCAGTCATACGTCGCTT[G>A]AAGCGTCCATGAGATAAAATATCTCGCCATCGTCCCCAACTAAAAAACAGAAAACTATAT-3'
Protein context (NP_001164100.1, residues 1460-1480): RWRDILSHGR[Phe1470=]KRRMTERDVE